The following is an entry in ClinVar:

ClinVar aggregate classification (germline): Uncertain significance (1 of 4 stars; one submission).

gnomAD v4.1: 4 of 1,611,642 alleles (0.00025%); highest among the groups gnomAD compares: Non-Finnish European, 0.00034%; no homozygotes.

Submission:

Labcorp Genetics (formerly Invitae), Labcorp
Classification: Uncertain significance. Last evaluated: 2024-10-14. Review status: criteria provided, single submitter. Criteria: Invitae Variant Classification Sherloc (09022015). Collection method: clinical testing. Allele origin: germline.
Comment: This sequence change replaces leucine, which is neutral and non-polar, with phenylalanine, which is neutral and non-polar, at codon 43 of the SKIV2L protein (p.Leu43Phe). This variant is present in population databases (rs765116656, gnomAD 0.002%). This variant has not been reported in the literature in individuals affected with SKIV2L-related conditions. An algorithm developed to predict the effect of missense changes on protein structure and function (PolyPhen-2) suggests that this variant is likely to be disruptive. In summary, the available evidence is currently insufficient to determine the role of this variant in disease. Therefore, it has been classified as a Variant of Uncertain Significance.

NM_006929.5(SKIC2):c.127C>T (p.Leu43Phe)

Gene: SKIC2 (SKI2 subunit of superkiller complex; plus strand). Cytogenetic location: 6p21.33.
Variant type: single nucleotide variant.
Coding change: c.127C>T on transcript NM_006929.5 (MANE Select); coding-DNA position 127, C replaced by T.
Protein change: p.Leu43Phe; replaces leucine 43 with phenylalanine.
Molecular consequence: missense variant.
Genome position (GRCh38, 1-based): chr6:31,960,010, C>T. VCF-style: chr6-31960010-C-T. GRCh37 (hg19) VCF-style: chr6-31927787-C-T.
Other names: short protein forms L43F.
Identifiers: ClinVar variation 3693226 (VCV003693226.2).